The following is an entry in ClinVar:

ClinVar aggregate classification (germline): Uncertain significance (1 of 4 stars; one submission).

Conditions:
Neurofibromatosis, type 1 (NF1). Also called: VON RECKLINGHAUSEN DISEASE; Peripheral type neurofibromatosis; NEUROFIBROMATOSIS, TYPE I, SOMATIC; Neurofibromatosis, type I. Identifiers: Orphanet 636, MedGen C0027831, MONDO:0018975, OMIM 162200. Disease mechanism: loss of function.

Submission:

Labcorp Genetics (formerly Invitae), Labcorp
Classification: Uncertain significance for Neurofibromatosis, type 1. Last evaluated: 2025-10-01. Review status: criteria provided, single submitter. Criteria: Invitae Variant Classification Sherloc (09022015). Collection method: clinical testing. Allele origin: germline.
Comment: This sequence change falls in intron 9 of the NF1 gene. It does not directly change the encoded amino acid sequence of the NF1 protein. This variant is not present in population databases (gnomAD no frequency). This variant has not been reported in the literature in individuals affected with NF1-related conditions. Algorithms developed to predict the effect of sequence changes on RNA splicing suggest that this variant may disrupt the consensus splice site. In summary, the available evidence is currently insufficient to determine the role of this variant in disease. Therefore, it has been classified as a Variant of Uncertain Significance.

NM_001042492.3(NF1):c.1063-6T>A

Gene: NF1 (neurofibromin 1; plus strand). Cytogenetic location: 17q11.2.
Variant type: single nucleotide variant.
Coding change: c.1063-6T>A on transcript NM_001042492.3 (MANE Select); 6 bases into the intron before coding-DNA position 1063, T replaced by A.
Molecular consequence: intron variant.
Genome position (GRCh38, 1-based): chr17:31,201,031, T>A. VCF-style: chr17-31201031-T-A. GRCh37 (hg19) VCF-style: chr17-29528049-T-A.
Other names: c.1063-6T>A (NM_000267.4, NM_001128147.3).
Identifiers: ClinVar variation 4728238 (VCV004728238.1).